The following is an entry in ClinVar:

NM_002098.6(GUCA1B):c.322T>A (p.Cys108Ser)

Gene: GUCA1B (guanylate cyclase activator 1B; minus strand). Cytogenetic location: 6p21.1.
Variant type: single nucleotide variant.
Coding change: c.322T>A on transcript NM_002098.6 (MANE Select); coding-DNA position 322, T replaced by A.
Protein change: p.Cys108Ser; replaces cysteine 108 with serine.
Molecular consequence: missense variant.
Genome position (GRCh38, 1-based): chr6:42,188,617, A>T on the plus strand (T>A on the coding strand, the complement: GUCA1B is on the minus strand). VCF-style: chr6-42188617-A-T. GRCh37 (hg19) VCF-style: chr6-42156355-A-T.
Other names: short protein forms C108S.
Identifiers: ClinVar variation 1438726 (VCV001438726.6), dbSNP rs768840725, ClinGen allele CA3805599.
Genomic context (GRCh38, chr6:42,188,617, plus strand): 5'-CTGGCCCATGGGCAGAGACACTAACCTCCACAATGTTGAGTAGCTCCAGGCGGTCGATGC[A>T]GCCATTGCCATCCTTATCATAGATCTTGAATGTCCACTTCAGCTTGTGCTCCAGGGTGCC-3'
Protein context (NP_002089.4, residues 98-118): FKIYDKDGNG[Cys108Ser]IDRLELLNIV

ClinVar aggregate classification (germline): Uncertain significance (1 of 4 stars; one submission).

Allele frequency attached by ClinVar (database versions not stated): gnomAD exomes below 0.00001 and 0.00001; ExAC 0.00001.
gnomAD v4.1: 4 of 1,614,134 alleles (0.00025%); highest among the groups gnomAD compares: Non-Finnish European, 0.00034%; no homozygotes.

Submission:

Labcorp Genetics (formerly Invitae), Labcorp
Classification: Uncertain significance. Last evaluated: 2025-09-13. Review status: criteria provided, single submitter. Criteria: Invitae Variant Classification Sherloc (09022015). Collection method: clinical testing. Allele origin: germline.
Comment: This sequence change replaces cysteine, which is neutral and slightly polar, with serine, which is neutral and polar, at codon 108 of the GUCA1B protein (p.Cys108Ser). This variant is present in population databases (rs768840725, gnomAD 0.002%). This variant has not been reported in the literature in individuals affected with GUCA1B-related conditions. ClinVar contains an entry for this variant (Variation ID: 1438726). An algorithm developed to predict the effect of missense changes on protein structure and function (PolyPhen-2) suggests that this variant is likely to be tolerated. In summary, the available evidence is currently insufficient to determine the role of this variant in disease. Therefore, it has been classified as a Variant of Uncertain Significance.